The following is an entry in ClinVar:

NM_173728.4(ARHGEF15):c.142C>T (p.Arg48Ter)

Gene: ARHGEF15 (Rho guanine nucleotide exchange factor 15; plus strand). Cytogenetic location: 17p13.1.
Variant type: single nucleotide variant.
Coding change: c.142C>T on transcript NM_173728.4 (MANE Select); coding-DNA position 142, C replaced by T.
Protein change: p.Arg48Ter; replaces arginine 48 with a stop codon.
Molecular consequence: nonsense.
Genome position (GRCh38, 1-based): chr17:8,312,181, C>T. VCF-style: chr17-8312181-C-T. GRCh37 (hg19) VCF-style: chr17-8215499-C-T.
Other names: c.142C>T, p.Arg48Ter (NM_025014.2); short protein forms R48*.
Identifiers: ClinVar variation 854385 (VCV000854385.8), dbSNP rs938835951, ClinGen allele CA287567900.

ClinVar aggregate classification (germline): Uncertain significance (1 of 4 stars; one submission).

Conditions:
Early-infantile DEE. Also called: Ohtahara syndrome; Early infantile epileptic encephalopathy with suppression bursts; Early infantile epileptic encephalopathy. Identifiers: Orphanet 1934, MedGen C0393706, MONDO:0800491.

Allele frequency attached by ClinVar (database versions not stated): gnomAD 0.00001; gnomAD exomes 0.00001; TOPMed 0.00001.
gnomAD v4.1: 19 of 1,610,206 alleles (0.0012%); highest among the groups gnomAD compares: Non-Finnish European, 0.0014%; no homozygotes.

Submission:

Labcorp Genetics (formerly Invitae), Labcorp
Classification: Uncertain significance for Early-infantile DEE. Last evaluated: 2024-02-17. Review status: criteria provided, single submitter. Criteria: Invitae Variant Classification Sherloc (09022015). Collection method: clinical testing. Allele origin: germline.
Comment: This sequence change creates a premature translational stop signal (p.Arg48*) in the ARHGEF15 gene. It is expected to result in an absent or disrupted protein product. However, the current clinical and genetic evidence is not sufficient to establish whether loss-of-function variants in ARHGEF15 cause disease. This variant is present in population databases (no rsID available, gnomAD 0.002%). This variant has not been reported in the literature in individuals affected with ARHGEF15-related conditions. ClinVar contains an entry for this variant (Variation ID: 854385). In summary, the available evidence is currently insufficient to determine the role of this variant in disease. Therefore, it has been classified as a Variant of Uncertain Significance.